The following is an entry in ClinVar:

NM_022168.4(IFIH1):c.2191G>A (p.Ala731Thr)

Gene: IFIH1 (interferon induced with helicase C domain 1; minus strand). Cytogenetic location: 2q24.2.
Variant type: single nucleotide variant.
Coding change: c.2191G>A on transcript NM_022168.4 (MANE Select); coding-DNA position 2191, G replaced by A.
Protein change: p.Ala731Thr; replaces alanine 731 with threonine.
Molecular consequence: missense variant.
Genome position (GRCh38, 1-based): chr2:162,276,800, C>T on the plus strand (G>A on the coding strand, the complement: IFIH1 is on the minus strand). VCF-style: chr2-162276800-C-T. GRCh37 (hg19) VCF-style: chr2-163133310-C-T.
Other names: short protein forms A731T.
Identifiers: ClinVar variation 1931937 (VCV001931937.5), dbSNP rs774309855, ClinGen allele CA348996913.

ClinVar aggregate classification (germline): Uncertain significance (1 of 4 stars; one submission).

Conditions:
Singleton-Merten syndrome 1 (SGMRT1). Also called: Widened medullary cavities of bone, aortic calcification, abnormal dentition, and muscular weakness; Syndrome of widened medullary cavities of the metacarpals and phalanges, aortic calcification and abnormal dentition. Identifiers: Orphanet 85191, MedGen C4225427, MONDO:0024535, OMIM 182250.
Aicardi-Goutieres syndrome 7 (AGS7). Identifiers: Orphanet 51, MedGen C3888244, MONDO:0014367, OMIM 615846.

Submission:

Labcorp Genetics (formerly Invitae), Labcorp
Classification: Uncertain significance for Aicardi-Goutieres syndrome 7; Singleton-Merten syndrome 1. Last evaluated: 2022-07-06. Review status: criteria provided, single submitter. Criteria: Invitae Variant Classification Sherloc (09022015). Collection method: clinical testing. Allele origin: germline.
Comment: Algorithms developed to predict the effect of missense changes on protein structure and function output the following: SIFT: "Tolerated"; PolyPhen-2: "Benign"; Align-GVGD: "Class C0". The threonine amino acid residue is found in multiple mammalian species, which suggests that this missense change does not adversely affect protein function. In summary, the available evidence is currently insufficient to determine the role of this variant in disease. Therefore, it has been classified as a Variant of Uncertain Significance. This variant has not been reported in the literature in individuals affected with IFIH1-related conditions. This variant is not present in population databases (gnomAD no frequency). This sequence change replaces alanine, which is neutral and non-polar, with threonine, which is neutral and polar, at codon 731 of the IFIH1 protein (p.Ala731Thr).